The following is an entry in ClinVar:

ClinVar aggregate classification (germline): Benign. Review status: criteria provided, multiple submitters, no conflicts (2 of 4 stars). 4 submissions from 4 submitters: Benign (4). Last evaluated 2025-12-08.

Conditions:
Cataract 18 (CATC2). Also called: CATARACT 18, AUTOSOMAL RECESSIVE. Identifiers: Orphanet 91492, Orphanet 98991, Orphanet 98992, Orphanet 98995, MedGen C1864908, MONDO:0012395, OMIM 610019.

Allele frequency attached by ClinVar (database versions not stated): gnomAD exomes 0.00415; ExAC 0.00486; gnomAD 0.01634 and 0.01745; 1000 Genomes Project 0.01797; ESP Exome Variant Server 0.01876; TOPMed 0.01927; 1000 Genomes Project 30x 0.01983.
gnomAD v4.1: 5,193 of 1,613,370 alleles (0.32%); highest among the groups gnomAD compares: African/African-American, 5.6%; 137 homozygotes.

Submissions (4):

Labcorp Genetics (formerly Invitae), Labcorp
Classification: Benign for Cataract 18. Last evaluated: 2025-12-08. Review status: criteria provided, single submitter. Criteria: Invitae Variant Classification Sherloc (09022015). Collection method: clinical testing. Allele origin: germline.

GeneDx
Classification: Benign. Last evaluated: 2019-06-06. Review status: criteria provided, single submitter. Criteria: GeneDx Variant Classification Process June 2021. Collection method: clinical testing. Allele origin: germline. Affected: yes.

Illumina Laboratory Services, Illumina
Classification: Benign for Cataract 18. Last evaluated: 2018-01-13. Review status: criteria provided, single submitter. Criteria: ICSL Variant Classification Criteria 13 December 2019. Collection method: clinical testing. Allele origin: germline.
Comment: This variant was observed in the ICSL laboratory as part of a predisposition screen in an ostensibly healthy population. It had not been previously curated by ICSL or reported in the Human Gene Mutation Database (HGMD: prior to June 1st, 2018), and was therefore a candidate for classification through an automated scoring system. Utilizing variant allele frequency, disease prevalence and penetrance estimates, and inheritance mode, an automated score was calculated to assess if this variant is too frequent to cause the disease. Based on the score and internal cut-off values, a variant classified as benign is not then subjected to further curation. The score for this variant resulted in a classification of benign for this disease.

Breakthrough Genomics
Classification: Benign. Review status: criteria provided, single submitter. Criteria: ACMG Guidelines, 2015. Collection method: not provided. Allele origin: germline. Inheritance: Autosomal recessive inheritance. Affected: yes.

NM_024513.4(FYCO1):c.2179C>A (p.His727Asn)

Gene: FYCO1 (FYVE and coiled-coil domain autophagy adaptor 1; minus strand). Cytogenetic location: 3p21.31.
Variant type: single nucleotide variant.
Coding change: c.2179C>A on transcript NM_024513.4 (MANE Select); coding-DNA position 2179, C replaced by A.
Protein change: p.His727Asn; replaces histidine 727 with asparagine.
Molecular consequence: missense variant.
Genome position (GRCh38, 1-based): chr3:45,967,155, G>T on the plus strand (C>A on the coding strand, the complement: FYCO1 is on the minus strand). VCF-style: chr3-45967155-G-T. GRCh37 (hg19) VCF-style: chr3-46008647-G-T.
Other names: short protein forms H727N.
Identifiers: ClinVar variation 345512 (VCV000345512.15), dbSNP rs36014492, ClinGen allele CA2353103.